The following is an entry in ClinVar:

NM_198576.4(AGRN):c.2913G>A (p.Glu971=)

Gene: AGRN (agrin; plus strand). Cytogenetic location: 1p36.33.
Variant type: single nucleotide variant.
Coding change: c.2913G>A on transcript NM_198576.4 (MANE Select); coding-DNA position 2913, G replaced by A.
Protein change: p.Glu971=; no amino-acid change (glutamic acid 971 retained).
Molecular consequence: synonymous variant.
Genome position (GRCh38, 1-based): chr1:1,046,398, G>A. VCF-style: chr1-1046398-G-A. GRCh37 (hg19) VCF-style: chr1-981778-G-A.
Other names: c.2913G>A, p.Glu971= (NM_001305275.2); c.2598G>A, p.Glu866= (NM_001364727.2).
Identifiers: ClinVar variation 1427325 (VCV001427325.8), dbSNP rs1372362266, ClinGen allele CA415757606.

ClinVar aggregate classification (germline): Uncertain significance (1 of 4 stars; one submission).

Conditions:
Congenital myasthenic syndrome 8. Also called: Myasthenic syndrome, congenital, 8, with pre- and postsynaptic defects; MYASTHENIC SYNDROME, CONGENITAL, DUE TO AGRIN DEFICIENCY. Identifiers: Orphanet 590, MedGen C3808739, MONDO:0014052, OMIM 615120.

Allele frequency attached by ClinVar (database versions not stated): TOPMed below 0.00001; gnomAD 0.00001; gnomAD exomes 0.00001 and 0.00004.
gnomAD v4.1: 15 of 1,611,512 alleles (0.00093%); highest among the groups gnomAD compares: Admixed American, 0.022%; no homozygotes.

Submission:

Labcorp Genetics (formerly Invitae), Labcorp
Classification: Uncertain significance for Congenital myasthenic syndrome 8. Last evaluated: 2024-02-17. Review status: criteria provided, single submitter. Criteria: Invitae Variant Classification Sherloc (09022015). Collection method: clinical testing. Allele origin: germline.
Comment: This sequence change affects codon 971 of the AGRN mRNA. It is a 'silent' change, meaning that it does not change the encoded amino acid sequence of the AGRN protein. This variant is present in population databases (no rsID available, gnomAD 0.03%). This variant has not been reported in the literature in individuals affected with AGRN-related conditions. ClinVar contains an entry for this variant (Variation ID: 1427325). Algorithms developed to predict the effect of sequence changes on RNA splicing suggest that this variant may create or strengthen a splice site. In summary, the available evidence is currently insufficient to determine the role of this variant in disease. Therefore, it has been classified as a Variant of Uncertain Significance.